The following is an entry in ClinVar:

NM_000179.3(MSH6):c.1924T>C (p.Tyr642His)

Gene: MSH6 (mutS homolog 6; plus strand). Cytogenetic location: 2p16.3.
Variant type: single nucleotide variant.
Coding change: c.1924T>C on transcript NM_000179.3 (MANE Select); coding-DNA position 1924, T replaced by C.
Protein change: p.Tyr642His; replaces tyrosine 642 with histidine.
Molecular consequence: missense variant.
Genome position (GRCh38, 1-based): chr2:47,799,907, T>C. VCF-style: chr2-47799907-T-C. GRCh37 (hg19) VCF-style: chr2-48027046-T-C.
Other names: c.1534T>C, p.Tyr512His (NM_001281492.2); c.1924T>C, p.Tyr642His (NM_001406803.1, NM_001406808.1, NM_001406809.1 and 3 more transcripts); c.1846T>C, p.Tyr616His (NM_001406804.1); c.1627T>C, p.Tyr543His (NM_001406805.1, NM_001406824.1, NM_001406825.1 and 10 more transcripts); c.1399T>C, p.Tyr467His (NM_001406806.1, NM_001406807.1, NM_001406799.1); c.1018T>C, p.Tyr340His (NM_001406811.1, NM_001406812.1, NM_001406829.1 and 6 more transcripts); c.1756T>C, p.Tyr586His (NM_001406826.1); c.2020T>C, p.Tyr674His (NM_001406795.1, NM_001406802.1); and 1 more; short protein forms Y340H, Y467H, Y512H, Y543H, Y586H, Y616H, Y642H, Y644H.
Identifiers: ClinVar variation 1720257 (VCV001720257.7), dbSNP rs2104376570, ClinGen allele CA346750316.

ClinVar aggregate classification (germline): Uncertain significance. Review status: criteria provided, multiple submitters, no conflicts (2 of 4 stars). 2 submissions from 2 submitters: Uncertain significance (2). Last evaluated 2026-03-31.

Conditions:
Hereditary nonpolyposis colorectal neoplasms. Identifiers: MedGen C0009405, MeSH D003123.
Hereditary cancer-predisposing syndrome. Also called: Hereditary Cancer Syndrome; Neoplastic Syndromes, Hereditary; Hereditary neoplastic syndrome; Tumor predisposition. Identifiers: Orphanet 140162, MedGen C0027672, MeSH D009386, MONDO:0015356.

Submissions (2):

Ambry Genetics
Classification: Uncertain significance for Hereditary cancer-predisposing syndrome. Last evaluated: 2026-03-31. Review status: criteria provided, single submitter. Criteria: Ambry Variant Classification Scheme 2023. Collection method: clinical testing. Allele origin: germline.
Comment: The p.Y642H variant (also known as c.1924T>C), located in coding exon 4 of the MSH6 gene, results from a T to C substitution at nucleotide position 1924. The tyrosine at codon 642 is replaced by histidine, an amino acid with similar properties. This amino acid position is conserved. In addition, this alteration is predicted to be deleterious by in silico analysis. Based on the available evidence, the clinical significance of this variant remains unclear.

Labcorp Genetics (formerly Invitae), Labcorp
Classification: Uncertain significance for Hereditary nonpolyposis colorectal neoplasms. Last evaluated: 2025-12-30. Review status: criteria provided, single submitter. Criteria: Invitae Variant Classification Sherloc (09022015). Collection method: clinical testing. Allele origin: germline.
Comment: This sequence change replaces tyrosine, which is neutral and polar, with histidine, which is basic and polar, at codon 642 of the MSH6 protein (p.Tyr642His). This variant is not present in population databases (gnomAD no frequency). This variant has not been reported in the literature in individuals affected with MSH6-related conditions. ClinVar contains an entry for this variant (Variation ID: 1720257). Invitae Evidence Modeling of protein sequence and biophysical properties (such as structural, functional, and spatial information, amino acid conservation, physicochemical variation, residue mobility, and thermodynamic stability) has been performed for this missense variant. However, the output from this modeling did not meet the statistical confidence thresholds required to predict the impact of this variant on MSH6 protein function. In summary, the available evidence is currently insufficient to determine the role of this variant in disease. Therefore, it has been classified as a Variant of Uncertain Significance.